The following is an entry in ClinVar:

NM_004006.3(DMD):c.338A>G (p.Asn113Ser)

Gene: DMD (dystrophin; minus strand). Cytogenetic location: Xp21.1.
Variant type: single nucleotide variant.
Coding change: c.338A>G on transcript NM_004006.3 (MANE Select); coding-DNA position 338, A replaced by G.
Protein change: p.Asn113Ser; replaces asparagine 113 with serine.
Molecular consequence: missense variant. On other transcripts: 5 prime UTR variant (1).
Genome position (GRCh38, 1-based): chrX:32,823,314, T>C on the plus strand (A>G on the coding strand, the complement: DMD is on the minus strand). VCF-style: chrX-32823314-T-C. GRCh37 (hg19) VCF-style: chrX-32841431-T-C.
Other names: c.314A>G, p.Asn105Ser (NM_000109.4); c.326A>G, p.Asn109Ser (NM_004009.3); c.-32A>G (NM_004010.3); short protein forms N113S, N105S, N109S.
Identifiers: ClinVar variation 509243 (VCV000509243.1), dbSNP rs1557058336, ClinGen allele CA412674452.

ClinVar aggregate classification (germline): Likely benign (1 of 4 stars; one submission).

Submission:

GeneDx
Classification: Likely benign. Last evaluated: 2017-04-27. Review status: criteria provided, single submitter. Criteria: GeneDx Variant Classification (06012015). Collection method: clinical testing. Allele origin: germline. Affected: yes.
Comment: This variant is considered likely benign or benign based on one or more of the following criteria: it is a conservative change, it occurs at a poorly conserved position in the protein, it is predicted to be benign by multiple in silico algorithms, and/or has population frequency not consistent with disease.